The following is an entry in ClinVar:

NM_004525.3(LRP2):c.12404A>C (p.Asp4135Ala)

Gene: LRP2 (LDL receptor related protein 2; minus strand). Cytogenetic location: 2q31.1.
Variant type: single nucleotide variant.
Coding change: c.12404A>C on transcript NM_004525.3 (MANE Select); coding-DNA position 12404, A replaced by C.
Protein change: p.Asp4135Ala; replaces aspartic acid 4135 with alanine.
Molecular consequence: missense variant.
Genome position (GRCh38, 1-based): chr2:169,152,856, T>G on the plus strand (A>C on the coding strand, the complement: LRP2 is on the minus strand). VCF-style: chr2-169152856-T-G. GRCh37 (hg19) VCF-style: chr2-170009366-T-G.
Other names: short protein forms D4135A.
Identifiers: ClinVar variation 2121492 (VCV002121492.4), dbSNP rs2545677028, ClinGen allele CA349135004.
Genomic context (GRCh38, chr2:169,152,856, plus strand): 5'-TACCTTCCAACCCAGTCCACTGCTATTCCATCTGGCTGCATTACGTATTTCAGTTTCAGG[T>G]CAACTTCCTGCACAAGATTATTGCGGCCGGATTCAAAGTTGGGGATGTAGGCACGTTTGA-3'
Protein context (NP_004516.2, residues 4125-4145): SGRNNLVQEV[Asp4135Ala]LKLKYVMQPD

ClinVar aggregate classification (germline): Uncertain significance (1 of 4 stars; one submission).

Submission:

Labcorp Genetics (formerly Invitae), Labcorp
Classification: Uncertain significance. Last evaluated: 2022-04-04. Review status: criteria provided, single submitter. Criteria: Invitae Variant Classification Sherloc (09022015). Collection method: clinical testing. Allele origin: germline.
Comment: Algorithms developed to predict the effect of missense changes on protein structure and function (SIFT, PolyPhen-2, Align-GVGD) all suggest that this variant is likely to be disruptive. In summary, the available evidence is currently insufficient to determine the role of this variant in disease. Therefore, it has been classified as a Variant of Uncertain Significance. This variant has not been reported in the literature in individuals affected with LRP2-related conditions. This variant is not present in population databases (gnomAD no frequency). This sequence change replaces aspartic acid, which is acidic and polar, with alanine, which is neutral and non-polar, at codon 4135 of the LRP2 protein (p.Asp4135Ala).